The following is an entry in ClinVar:

NM_000304.2(PMP22):c.(?_-1)_(*1_?)del

Gene: PMP22 (peripheral myelin protein 22; minus strand).
Variant type: Deletion.
Coding change: c.(?_-1)_(*1_?)del on transcript NM_000304.2; a large deletion whose breakpoints are not mapped to the base.
Other names: c.(?_-1)_(*1_?)del (LRG_263t1).
Identifiers: ClinVar variation 218288 (VCV000218288.1).

ClinVar aggregate classification (germline): Pathogenic (1 of 4 stars; one submission).

Conditions:
Charcot-Marie-Tooth disease, type I (CMT1). Also called: Charcot-Marie-Tooth disease type 1; Charcot-Marie-Tooth, Type 1. Identifiers: Orphanet 65753, MedGen C0751036, MONDO:0019011.

Submission:

Labcorp Genetics (formerly Invitae), Labcorp
Classification: Pathogenic for Charcot-Marie-Tooth disease, type I. Last evaluated: 2015-09-02. Review status: criteria provided, single submitter. Criteria: Invitae Variant Classification Sherloc (09022015). Collection method: clinical testing. Allele origin: germline.
Comment: This variant is a gross deletion of the genomic region encompassing exons 2-5 of the PMP22 gene. Since this deletion extends to the edge of the assayed region, the 5' and 3' boundaries of this event are not known. However this deletion removes the entire PMP22 coding sequence. Approximately 80% of individuals with Hereditary Neuropathy with Liability to Pressure Palsies (HNPP) have one copy of a 1.5Mb deletion at 17p11.2 (including PMP22). PMP22 deletion is a known mechanism of disease in HNPP, this sequence change has been classified as Pathogenic.